The following is an entry in ClinVar:

ClinVar aggregate classification (germline): Uncertain significance (1 of 4 stars; one submission).

Submission:

GeneDx
Classification: Uncertain significance. Last evaluated: 2023-12-15. Review status: criteria provided, single submitter. Criteria: GeneDx Variant Classification Process June 2021. Collection method: clinical testing. Allele origin: germline. Affected: yes.
Comment: Has not been previously published as pathogenic or benign to our knowledge; Variants in candidate genes are classified as variants of uncertain significance in accordance with ACMG guidelines (PMID: 25741868); Not observed at significant frequency in large population cohorts (gnomAD); In silico analysis supports a deleterious effect on splicing

NM_001382309.1(ATXN7L3):c.184+5G>C

Gene: ATXN7L3 (ataxin 7 like 3; minus strand). Cytogenetic location: 17q21.31.
Variant type: single nucleotide variant.
Coding change: c.184+5G>C on transcript NM_001382309.1 (MANE Select); 5 bases into the intron after coding-DNA position 184, G replaced by C.
Molecular consequence: intron variant.
Genome position (GRCh38, 1-based): chr17:44,197,593, C>G on the plus strand (G>C on the coding strand, the complement: ATXN7L3 is on the minus strand). VCF-style: chr17-44197593-C-G. GRCh37 (hg19) VCF-style: chr17-42274961-C-G.
Other names: c.184+5G>C (NM_001382316.1, NM_001382308.1, NM_001382311.1 and 3 more transcripts); c.205+5G>C (NM_001382314.1, NM_001382315.1).
Identifiers: ClinVar variation 4070632 (VCV004070632.1).